The following is an entry in ClinVar:

ClinVar aggregate classification (germline): Likely pathogenic (1 of 4 stars; one submission).

Conditions:
Intellectual developmental disorder, X-linked 72. Also called: Intellectual disability, X-linked 72. Identifiers: Orphanet 777, MedGen C1846038, MONDO:0010289, OMIM 300271.

Submission:

Molecular Genetics Laboratory, Motol Hospital
Classification: Likely pathogenic for Intellectual developmental disorder, X-linked 72. Last evaluated: 2024-11-27. Review status: criteria provided, single submitter. Criteria: ACMG Guidelines, 2015. Collection method: clinical testing. Allele origin: de novo. Affected: yes. Observed: 1 variant allele.
Comment: The variant was confirmed to be of a de novo origin. Rare variants, including in-frame deletions, affecting the RAB39B gene are documented as a molecular cause of "X-linked intellectual developmental disorder 72" (XLID72, OMIM:300271) (PMID:20159109;11050621;33880059). To conclude, the variant is classified as likely pathogenic (ACMG PS2, PM2, PM4).

Literature cited by the submitters: PubMed 20159109; PubMed 11050621; PubMed 33880059.

NM_171998.4(RAB39B):c.426TGC[1] (p.Ala144del)

Gene: RAB39B (RAB39B, member RAS oncogene family; minus strand). Cytogenetic location: Xq28.
Variant type: Microsatellite.
Coding change: c.426TGC[1] on transcript NM_171998.4 (MANE Select); one copy of the 3-base unit TGC starting at c.426; the reference has two copies in a row; one copy, 3 bases deleted; also written c.429_431del.
Protein change: p.Ala144del; deletes alanine 144.
Molecular consequence: inframe deletion.
Genome position (GRCh38, 1-based): chrX:155,261,014-155,261,016, GCA deleted on the plus strand (TGC on the coding strand, the reverse complement: RAB39B is on the minus strand); deleting any 3 consecutive bases within chrX:155,261,014-155,261,021 gives the same sequence; the position shown is the placement nearest the transcript's 3' end. VCF-style (leftmost placement, unchanged base first): chrX-155261013-TGCA-T. GRCh37 (hg19) VCF-style: chrX-154490298-TGCA-T.
Other names: c.429_431del (NM_171998.4); short protein forms A144del.
Identifiers: ClinVar variation 3381756 (VCV003381756.2).
Genomic context (GRCh38, chrX:155,261,013, plus strand): 5'-GAAGGCTTTCTCCACATTAATGGCATCTCGGGCTGACGTTTCAATGTACTTCATGCCGTA[TGCA>T]GCAGCCAGTTTCTCGGCCTCGTGGCGAGTCACTTGCCTCTGTGTATCCAGGTCACACTTG-3'